The following is an entry in ClinVar:

NM_018297.4(NGLY1):c.1714AGT[1] (p.Ser573del)

Gene: NGLY1 (N-glycanase 1; minus strand). Cytogenetic location: 3p24.2.
Variant type: Microsatellite.
Coding change: c.1714AGT[1] on transcript NM_018297.4 (MANE Select); one copy of the 3-base unit AGT starting at c.1714; the reference has two copies in a row; one copy, 3 bases deleted.
Protein change: p.Ser573del; deletes serine 573.
Molecular consequence: inframe deletion. On other transcripts: intron variant (1).
Genome position (GRCh38, 1-based): chr3:25,720,084-25,720,086, ACT deleted on the plus strand (AGT on the coding strand, the reverse complement: NGLY1 is on the minus strand); deleting any 3 consecutive bases within chr3:25,720,084-25,720,089 gives the same sequence; the position shown is the placement nearest the transcript's 3' end. VCF-style (leftmost placement, unchanged base first): chr3-25720083-GACT-G. GRCh37 (hg19) VCF-style: chr3-25761574-GACT-G.
Other names: c.1660AGT[1], p.Ser555del (NM_001145293.2); c.1588AGT[1], p.Ser531del (NM_001145294.2); c.1612-451_1612-449del (NM_001145295.2); c.1717_1719delAGT (NM_018297.3); short protein forms S555del, S573del, S531del.
Identifiers: ClinVar variation 1409043 (VCV001409043.7), dbSNP rs763674545, ClinGen allele CA2289089.

ClinVar aggregate classification (germline): Uncertain significance. Review status: criteria provided, multiple submitters, no conflicts (2 of 4 stars). 2 submissions from 2 submitters: Uncertain significance (2). Last evaluated 2026-01-12.

Conditions:
Inborn genetic diseases. Identifiers: MedGen C0950123, MeSH D030342.
Congenital disorder of deglycosylation (CDDG). Identifiers: MedGen C3808991, MONDO:0031376.

Submissions (2):

Labcorp Genetics (formerly Invitae), Labcorp
Classification: Uncertain significance for Congenital disorder of deglycosylation. Last evaluated: 2026-01-12. Review status: criteria provided, single submitter. Criteria: Invitae Variant Classification Sherloc (09022015). Collection method: clinical testing. Allele origin: germline.
Comment: This variant, c.1717_1719del, results in the deletion of 1 amino acid(s) of the NGLY1 protein (p.Ser573del), but otherwise preserves the integrity of the reading frame. This variant is present in population databases (rs763674545, gnomAD 0.01%). This variant has not been reported in the literature in individuals affected with NGLY1-related conditions. Experimental studies and prediction algorithms are not available or were not evaluated, and the functional significance of this variant is currently unknown. While this particular variant has not been reported in the literature, loss-of-function variants in NGLY1 are known to be pathogenic (PMID: 24651605, 25900930). In summary, the available evidence is currently insufficient to determine the role of this variant in disease. Therefore, it has been classified as a Variant of Uncertain Significance.

Ambry Genetics
Classification: Uncertain significance for Inborn genetic diseases. Last evaluated: 2025-02-28. Review status: criteria provided, single submitter. Criteria: Ambry Variant Classification Scheme 2023. Collection method: clinical testing. Allele origin: germline.
Comment: The c.1717_1719delAGT (p.S573del) alteration is located in exon 11 (coding exon 11) of the NGLY1 gene. This alteration consists of an in-frame deletion of 3 nucleotides between nucleotide positions c.1717 and c.1719, resulting in the deletion of 1 residue. Based on insufficient or conflicting evidence, the clinical significance of this alteration remains unclear.

Literature cited by the submitters: PubMed 24651605 (cited by Labcorp Genetics (formerly Invitae), Labcorp); PubMed 25900930 (cited by Labcorp Genetics (formerly Invitae), Labcorp).